The following is an entry in ClinVar:

NM_002470.4(MYH3):c.1309T>A (p.Phe437Ile)

Gene: MYH3 (myosin heavy chain 3; minus strand). Cytogenetic location: 17p13.1.
Variant type: single nucleotide variant.
Coding change: c.1309T>A on transcript NM_002470.4 (MANE Select); coding-DNA position 1309, T replaced by A.
Protein change: p.Phe437Ile; replaces phenylalanine 437 with isoleucine.
Molecular consequence: missense variant.
Genome position (GRCh38, 1-based): chr17:10,644,452, A>T on the plus strand (T>A on the coding strand, the complement: MYH3 is on the minus strand). VCF-style: chr17-10644452-A-T. GRCh37 (hg19) VCF-style: chr17-10547769-A-T.
Other names: short protein forms F437I.
Identifiers: ClinVar variation 321761 (VCV000321761.8), dbSNP rs763091291, ClinGen allele CA8393030.

ClinVar aggregate classification (germline): Uncertain significance (1 of 4 stars; one submission).

Allele frequency attached by ClinVar (database versions not stated): gnomAD exomes below 0.00001; ExAC 0.00001.

Submission:

Labcorp Genetics (formerly Invitae), Labcorp
Classification: Uncertain significance. Last evaluated: 2023-09-22. Review status: criteria provided, single submitter. Criteria: Invitae Variant Classification Sherloc (09022015). Collection method: clinical testing. Allele origin: germline.
Comment: In summary, the available evidence is currently insufficient to determine the role of this variant in disease. Therefore, it has been classified as a Variant of Uncertain Significance. Advanced modeling of protein sequence and biophysical properties (such as structural, functional, and spatial information, amino acid conservation, physicochemical variation, residue mobility, and thermodynamic stability) has been performed at Invitae for this missense variant, however the output from this modeling did not meet the statistical confidence thresholds required to predict the impact of this variant on MYH3 protein function. ClinVar contains an entry for this variant (Variation ID: 321761). This missense change has been observed in individual(s) with distal arthrogryposis type 1 (PMID: 21531865). This variant is present in population databases (rs763091291, gnomAD 0.0009%). This sequence change replaces phenylalanine, which is neutral and non-polar, with isoleucine, which is neutral and non-polar, at codon 437 of the MYH3 protein (p.Phe437Ile).

Literature cited by the submitters: PubMed 21531865.